The following is an entry in ClinVar:

NM_006393.3(NEBL):c.1450-1G>A

Gene: NEBL (nebulette; minus strand). Cytogenetic location: 10p12.31.
Variant type: single nucleotide variant.
Coding change: c.1450-1G>A on transcript NM_006393.3 (MANE Select); the canonical splice acceptor site of the intron before coding-DNA position 1450, G replaced by A.
Molecular consequence: splice acceptor variant. On other transcripts: intron variant (9).
Genome position (GRCh38, 1-based): chr10:20,831,584, C>T on the plus strand (G>A on the coding strand, the complement: NEBL is on the minus strand). VCF-style: chr10-20831584-C-T. GRCh37 (hg19) VCF-style: chr10-21120513-C-T.
Other names: c.250-18644G>A (NM_001377326.1, NM_001377327.1, NM_001377328.1); c.358-18644G>A (NM_213569.2, NM_001173484.2, NM_001377322.1); c.301-18644G>A (NM_001377324.1); c.292-18644G>A (NM_001377325.1); c.310-18644G>A (NM_001377323.1).
Identifiers: ClinVar variation 4750408 (VCV004750408.1).

ClinVar aggregate classification (germline): Uncertain significance (1 of 4 stars; one submission).

Conditions:
Primary dilated cardiomyopathy (DCM). Also called: Dilated Cardiomyopathy. Identifiers: Orphanet 217604, MedGen C0007193, MeSH D002311, MONDO:0005021, HP:0001644. Inheritance: Various modes of inheritance.

gnomAD v4.1: 13 of 1,585,248 alleles (0.00082%); highest among the groups gnomAD compares: African/African-American, 0.0013%; no homozygotes.

Submission:

Labcorp Genetics (formerly Invitae), Labcorp
Classification: Uncertain significance for Primary dilated cardiomyopathy. Last evaluated: 2025-09-10. Review status: criteria provided, single submitter. Criteria: Invitae Variant Classification Sherloc (09022015). Collection method: clinical testing. Allele origin: germline.
Comment: This sequence change affects an acceptor splice site in intron 14 of the NEBL gene. It is expected to disrupt RNA splicing. Variants that disrupt the donor or acceptor splice site typically lead to a loss of protein function (PMID: 16199547), however the current clinical and genetic evidence is not sufficient to establish whether loss-of-function variants in NEBL cause disease. This variant is present in population databases (rs750724612, gnomAD 0.0009%). This variant has not been reported in the literature in individuals affected with NEBL-related conditions. Algorithms developed to predict the effect of sequence changes on RNA splicing suggest that this variant may disrupt the consensus splice site. In summary, the available evidence is currently insufficient to determine the role of this variant in disease. Therefore, it has been classified as a Variant of Uncertain Significance.

Literature cited by the submitters: PubMed 16199547.